The following is an entry in ClinVar:

ClinVar aggregate classification (germline): Uncertain significance. Review status: criteria provided, multiple submitters, no conflicts (2 of 4 stars). 3 submissions from 3 submitters: Uncertain significance (2). 1 of the submissions does not count toward it. Last evaluated 2026-01-17.

Conditions:
RECQL4-related disorder. Also called: RECQL4-related condition; RECQL4-related disorders.
Rothmund-Thomson syndrome type 2 (RTS2). Identifiers: Orphanet 221016, MedGen C5203410, MONDO:0016369, OMIM 268400.
Baller-Gerold syndrome (BGS). Also called: CRANIOSYNOSTOSIS WITH RADIAL DEFECTS. Identifiers: Orphanet 1225, MedGen C0265308, MONDO:0009039, OMIM 218600.

Allele frequency attached by ClinVar (database versions not stated): TOPMed 0.00037.
gnomAD v4.1: 96 of 1,569,960 alleles (0.0061%); highest among the groups gnomAD compares: African/African-American, 0.12%; no homozygotes.

Submissions (3):

Labcorp Genetics (formerly Invitae), Labcorp
Classification: Uncertain significance for Baller-Gerold syndrome. Last evaluated: 2026-01-17. Review status: criteria provided, single submitter. Criteria: Invitae Variant Classification Sherloc (09022015). Collection method: clinical testing. Allele origin: germline.
Comment: This sequence change replaces glutamic acid, which is acidic and polar, with alanine, which is neutral and non-polar, at codon 71 of the RECQL4 protein (p.Glu71Ala). This variant is present in population databases (rs34642881, gnomAD 0.2%). This variant has not been reported in the literature in individuals affected with RECQL4-related conditions. ClinVar contains an entry for this variant (Variation ID: 459379). Experimental studies and prediction algorithms are not available or were not evaluated, and the functional significance of this variant is currently unknown. Algorithms developed to predict the effect of sequence changes on RNA splicing suggest that this variant may disrupt the consensus splice site. In summary, the available evidence is currently insufficient to determine the role of this variant in disease. Therefore, it has been classified as a Variant of Uncertain Significance.

St. Jude Molecular Pathology, St. Jude Children's Research Hospital
Classification: Uncertain significance for Rothmund-Thomson syndrome type 2. Last evaluated: 2023-03-31. Review status: criteria provided, single submitter. Criteria: St. Jude Assertion Criteria 2020. Collection method: clinical testing. Allele origin: germline.
Comment: The RECQL4 c.212A>C (p.Glu71Ala) missense change has a maximum subpopulation frequency of 0.15% in gnomAD v2.1.1. In silico tools are inconclusive about a pathogenic or benign effect of this variant on protein function, and to our knowledge functional studies have not been performed. To our knowledge, this variant has not been reported in individuals with RECQL4-associated conditions. In summary, the evidence currently available is insufficient to determine the clinical significance of this variant. It has therefore been classified as of uncertain significance.

PreventionGenetics, part of Exact Sciences
Classification: Likely benign for RECQL4-related condition. Last evaluated: 2022-04-27. Review status: no assertion criteria provided. Collection method: clinical testing. Allele origin: germline. Not counted in ClinVar's aggregate classification.
Comment: This variant is classified as likely benign based on ACMG/AMP sequence variant interpretation guidelines (Richards et al. 2015 PMID: 25741868, with internal and published modifications).

NM_004260.4(RECQL4):c.212A>C (p.Glu71Ala)

Gene: RECQL4 (RecQ like helicase 4; minus strand). Cytogenetic location: 8q24.3.
Variant type: single nucleotide variant.
Coding change: c.212A>C on transcript NM_004260.4 (MANE Select); coding-DNA position 212, A replaced by C.
Protein change: p.Glu71Ala; replaces glutamic acid 71 with alanine.
Molecular consequence: missense variant.
Genome position (GRCh38, 1-based): chr8:144,517,415, T>G on the plus strand (A>C on the coding strand, the complement: RECQL4 is on the minus strand). VCF-style: chr8-144517415-T-G. GRCh37 (hg19) VCF-style: chr8-145742799-T-G.
Other names: short protein forms E71A.
Identifiers: ClinVar variation 459379 (VCV000459379.11), dbSNP rs34642881, ClinGen allele CA4949459.
Genomic context (GRCh38, chr8:144,517,415, plus strand): 5'-TCCCGCCACTCCGCCAAACAGGGAAGTGGGAGGAGGCTGGGGCGGCGGGGCCTGGGTACC[T>G]CTTCGGCCGCCGCGGGGAGCGACTCGGAGCTGCGGAGCCCGCCGCCGGCCTGGCCCGTGG-3'
Protein context (NP_004251.4, residues 61-81): SSESLPAAAE[Glu71Ala]APEPRCWGPH